The following is an entry in ClinVar:

NM_000094.4(COL7A1):c.5137C>A (p.Pro1713Thr)

Gene: COL7A1 (collagen type VII alpha 1 chain; minus strand). Cytogenetic location: 3p21.31.
Variant type: single nucleotide variant.
Coding change: c.5137C>A on transcript NM_000094.4 (MANE Select); coding-DNA position 5137, C replaced by A.
Protein change: p.Pro1713Thr; replaces proline 1713 with threonine.
Molecular consequence: missense variant.
Genome position (GRCh38, 1-based): chr3:48,579,802, G>T on the plus strand (C>A on the coding strand, the complement: COL7A1 is on the minus strand). VCF-style: chr3-48579802-G-T. GRCh37 (hg19) VCF-style: chr3-48617235-G-T.
Other names: short protein forms P1713T.
Identifiers: ClinVar variation 2171147 (VCV002171147.4), dbSNP rs2531069358, ClinGen allele CA352678055.
Genomic context (GRCh38, chr3:48,579,802, plus strand): 5'-GGCACTGGGGTCTTTCTTACCCTCCACCCACAGACCCTAATACCTTCTCTCTGGCTCCAG[G>T]TCCTGTGTCTACCTGTGGGGGGAATGACCAGTGAGAAGAATGGCTCAACAAGGGGAAGAG-3'
Protein context (NP_000085.1, residues 1703-1723): GPPGRLVDTG[Pro1713Thr]GAREKGEPGD

ClinVar aggregate classification (germline): Uncertain significance (1 of 4 stars; one submission).

Allele frequency attached by ClinVar (database versions not stated): gnomAD exomes below 0.00001.
gnomAD v4.1: 1 of 1,614,050 alleles (0.000062%); highest among the groups gnomAD compares: Admixed American, 0.0017%; no homozygotes.

Submission:

Labcorp Genetics (formerly Invitae), Labcorp
Classification: Uncertain significance. Last evaluated: 2024-11-11. Review status: criteria provided, single submitter. Criteria: Invitae Variant Classification Sherloc (09022015). Collection method: clinical testing. Allele origin: germline.
Comment: This sequence change replaces proline, which is neutral and non-polar, with threonine, which is neutral and polar, at codon 1713 of the COL7A1 protein (p.Pro1713Thr). This variant is not present in population databases (gnomAD no frequency). This variant has not been reported in the literature in individuals affected with COL7A1-related conditions. ClinVar contains an entry for this variant (Variation ID: 2171147). Invitae Evidence Modeling of protein sequence and biophysical properties (such as structural, functional, and spatial information, amino acid conservation, physicochemical variation, residue mobility, and thermodynamic stability) indicates that this missense variant is not expected to disrupt COL7A1 protein function with a negative predictive value of 95%. In summary, the available evidence is currently insufficient to determine the role of this variant in disease. Therefore, it has been classified as a Variant of Uncertain Significance.